The following is an entry in ClinVar:

NM_000143.4(FH):c.1349_1352dup (p.Glu451_Ser452insTer)

Gene: FH (fumarate hydratase; minus strand). Cytogenetic location: 1q43.
Variant type: Microsatellite.
Coding change: c.1349_1352dup on transcript NM_000143.4 (MANE Select); coding-DNA positions 1349 to 1352, 4 bases duplicated (ATGA; older notation c.1349_1352dupATGA).
Protein change: p.Glu451_Ser452insTer.
Molecular consequence: nonsense, inframe insertion.
Genome position (GRCh38, 1-based): chr1:241,500,475-241,500,478, TCAT duplicated on the plus strand (ATGA on the coding strand, the reverse complement: FH is on the minus strand); duplicating any 4 consecutive bases within chr1:241,500,475-241,500,482 gives the same sequence; the c. name uses the placement nearest the transcript's 3' end. VCF-style (leftmost placement, unchanged base first): chr1-241500474-C-CTCAT. GRCh37 (hg19) VCF-style: chr1-241663774-C-CTCAT.
Identifiers: ClinVar variation 429170 (VCV000429170.5), dbSNP rs863223990, ClinGen allele CA645369173.

ClinVar aggregate classification (germline): Pathogenic (1 of 4 stars; one submission).

Conditions:
Hereditary cancer-predisposing syndrome. Also called: Hereditary Cancer Syndrome; Neoplastic Syndromes, Hereditary; Hereditary neoplastic syndrome; Tumor predisposition. Identifiers: Orphanet 140162, MedGen C0027672, MeSH D009386, MONDO:0015356.

Submission:

Ambry Genetics
Classification: Pathogenic for Hereditary cancer-predisposing syndrome. Last evaluated: 2014-12-03. Review status: criteria provided, single submitter. Criteria: Ambry Variant Classification Scheme 2023. Collection method: clinical testing. Allele origin: germline.
Comment: The c.1349_1352dupATGA pathogenic mutation, located in coding exon 9 of the FH gene, results from a duplication of ATGA at nucleotide positions 1349 to 1352, causing a translational frameshift with a predicted alternate stop codon. Since frameshifts are typically deleterious in nature, this alteration is interpreted as a disease-causing mutation (ACMG Recommendations for Standards for Interpretation and Reporting of Sequence Variations. Revision 2007. Genet Med. 2008;10:294).